The following is an entry in ClinVar:

ClinVar aggregate classification (germline): Uncertain significance. Review status: criteria provided, multiple submitters, no conflicts (2 of 4 stars). 3 submissions from 3 submitters: Uncertain significance (3). Last evaluated 2025-11-09.

Conditions:
Fanconi anemia complementation group O. Also called: RAD51C-Related Fanconi Anemia. Identifiers: Orphanet 84, MedGen C3150653, MONDO:0013248, OMIM 613390.
Hereditary cancer-predisposing syndrome. Also called: Neoplastic Syndromes, Hereditary; Hereditary neoplastic syndrome; Hereditary Cancer Syndrome; Tumor predisposition. Identifiers: Orphanet 140162, MedGen C0027672, MeSH D009386, MONDO:0015356.

Allele frequency attached by ClinVar (database versions not stated): gnomAD exomes below 0.00001 and 0.00001.

Submissions (3):

Labcorp Genetics (formerly Invitae), Labcorp
Classification: Uncertain significance for Fanconi anemia complementation group O. Last evaluated: 2025-11-09. Review status: criteria provided, single submitter. Criteria: Invitae Variant Classification Sherloc (09022015). Collection method: clinical testing. Allele origin: germline.
Comment: This sequence change replaces glutamic acid, which is acidic and polar, with lysine, which is basic and polar, at codon 154 of the RAD51C protein (p.Glu154Lys). This variant is present in population databases (no rsID available, gnomAD 0.006%). This variant has not been reported in the literature in individuals affected with RAD51C-related conditions. ClinVar contains an entry for this variant (Variation ID: 657143). Invitae Evidence Modeling of protein sequence and biophysical properties (such as structural, functional, and spatial information, amino acid conservation, physicochemical variation, residue mobility, and thermodynamic stability) indicates that this missense variant is not expected to disrupt RAD51C protein function with a negative predictive value of 80%. Algorithms developed to predict the effect of sequence changes on RNA splicing suggest that this variant may create or strengthen a splice site. In summary, the available evidence is currently insufficient to determine the role of this variant in disease. Therefore, it has been classified as a Variant of Uncertain Significance.

Women's Health and Genetics/Laboratory Corporation of America, LabCorp
Classification: Uncertain significance. Last evaluated: 2025-10-24. Review status: criteria provided, single submitter. Criteria: LabCorp Variant Classification Summary - May 2015. Collection method: clinical testing. Allele origin: germline.

Ambry Genetics
Classification: Uncertain significance for Hereditary cancer-predisposing syndrome. Last evaluated: 2024-07-11. Review status: criteria provided, single submitter. Criteria: Ambry Variant Classification Scheme 2023. Collection method: clinical testing. Allele origin: germline.
Comment: The p.E154K variant (also known as c.460G>A), located in coding exon 3 of the RAD51C gene, results from a G to A substitution at nucleotide position 460. The glutamic acid at codon 154 is replaced by lysine, an amino acid with similar properties. This amino acid position is highly conserved in available vertebrate species. In addition, this alteration is predicted to be tolerated by in silico analysis. Based on the available evidence, the clinical significance of this variant remains unclear.

NM_058216.3(RAD51C):c.460G>A (p.Glu154Lys)

Gene: RAD51C (RAD51 paralog C; plus strand). Cytogenetic location: 17q22.
Variant type: single nucleotide variant.
Coding change: c.460G>A on transcript NM_058216.3 (MANE Select); coding-DNA position 460, G replaced by A.
Protein change: p.Glu154Lys; replaces glutamic acid 154 with lysine.
Molecular consequence: missense variant.
Genome position (GRCh38, 1-based): chr17:58,696,748, G>A. VCF-style: chr17-58696748-G-A. GRCh37 (hg19) VCF-style: chr17-56774109-G-A.
Other names: c.460G>A (NM_058216.1); short protein forms E154K.
Identifiers: ClinVar variation 657143 (VCV000657143.10), dbSNP rs1194019460, ClinGen allele CA400344551.